The following is an entry in ClinVar:

ClinVar aggregate classification (germline): Uncertain significance (1 of 4 stars; one submission).

Submission:

GeneDx
Classification: Uncertain significance. Last evaluated: 2025-02-21. Review status: criteria provided, single submitter. Criteria: GeneDx Variant Classification Process June 2021. Collection method: clinical testing. Allele origin: germline. Affected: yes.
Comment: Not observed at significant frequency in large population cohorts (gnomAD); In silico analysis indicates that this missense variant does not alter protein structure/function; Has not been previously published as pathogenic or benign to our knowledge

NM_001127464.1:c.3887C>T

Gene: ZNF469 (zinc finger protein 469; plus strand).
Variant type: single nucleotide variant.
Identifiers: ClinVar variation 4076793 (VCV004076793.1).